The following is an entry in ClinVar:

ClinVar aggregate classification (germline): Uncertain significance (1 of 4 stars; one submission).

Allele frequency attached by ClinVar (database versions not stated): gnomAD 0.00002; TOPMed 0.00001.

Submission:

Labcorp Genetics (formerly Invitae), Labcorp
Classification: Uncertain significance. Last evaluated: 2025-04-11. Review status: criteria provided, single submitter. Criteria: Invitae Variant Classification Sherloc (09022015). Collection method: clinical testing. Allele origin: germline.
Comment: This sequence change replaces arginine, which is basic and polar, with cysteine, which is neutral and slightly polar, at codon 375 of the MCM2 protein (p.Arg375Cys). This variant is present in population databases (no rsID available, gnomAD 0.0009%). This variant has not been reported in the literature in individuals affected with MCM2-related conditions. ClinVar contains an entry for this variant (Variation ID: 2920344). Invitae Evidence Modeling of protein sequence and biophysical properties (such as structural, functional, and spatial information, amino acid conservation, physicochemical variation, residue mobility, and thermodynamic stability) indicates that this missense variant is not expected to disrupt MCM2 protein function with a negative predictive value of 80%. In summary, the available evidence is currently insufficient to determine the role of this variant in disease. Therefore, it has been classified as a Variant of Uncertain Significance.

NM_004526.4(MCM2):c.1123C>T (p.Arg375Cys)

Gene: MCM2 (minichromosome maintenance complex component 2; plus strand). Cytogenetic location: 3q21.3.
Variant type: single nucleotide variant.
Coding change: c.1123C>T on transcript NM_004526.4 (MANE Select); coding-DNA position 1123, C replaced by T.
Protein change: p.Arg375Cys; replaces arginine 375 with cysteine.
Molecular consequence: missense variant. On other transcripts: non-coding transcript variant (1).
Genome position (GRCh38, 1-based): chr3:127,608,403, C>T. VCF-style: chr3-127608403-C-T. GRCh37 (hg19) VCF-style: chr3-127327246-C-T.
Other names: short protein forms R375C.
Identifiers: ClinVar variation 2920344 (VCV002920344.3), dbSNP rs1223627990, ClinGen allele CA354386100.